The following is an entry in ClinVar:

ClinVar aggregate classification (germline): Uncertain significance. Review status: criteria provided, single submitter (1 of 4 stars). 2 submissions from 2 submitters: Uncertain significance (1). 1 of the submissions does not count toward it. Last evaluated 2024-10-31.

Conditions:
Alpha-1-antitrypsin deficiency (A1ATD). Also called: Alpha1-Antitrypsin Deficiency; AAT deficiency; A1AT deficiency. Identifiers: Orphanet 60, MedGen C0221757, MONDO:0013282, OMIM 613490.
SERPINA1-related disorder. Also called: SerpinA1-related disorders; SERPINA1-related condition.

gnomAD v4.1: 90 of 1,614,024 alleles (0.0056%); highest among the groups gnomAD compares: Admixed American, 0.072%; no homozygotes.

Submissions (2):

Labcorp Genetics (formerly Invitae), Labcorp
Classification: Uncertain significance for Alpha-1-antitrypsin deficiency. Last evaluated: 2024-10-31. Review status: criteria provided, single submitter. Criteria: Invitae Variant Classification Sherloc (09022015). Collection method: clinical testing. Allele origin: germline.
Comment: This sequence change replaces proline, which is neutral and non-polar, with alanine, which is neutral and non-polar, at codon 386 of the SERPINA1 protein (p.Pro386Ala). The frequency data for this variant in the population databases is considered unreliable, as metrics indicate poor data quality at this position in the gnomAD database. This variant has not been reported in the literature in individuals affected with SERPINA1-related conditions. Invitae Evidence Modeling of protein sequence and biophysical properties (such as structural, functional, and spatial information, amino acid conservation, physicochemical variation, residue mobility, and thermodynamic stability) indicates that this missense variant is not expected to disrupt SERPINA1 protein function with a negative predictive value of 80%. In summary, the available evidence is currently insufficient to determine the role of this variant in disease. Therefore, it has been classified as a Variant of Uncertain Significance.

PreventionGenetics, part of Exact Sciences
Classification: Uncertain significance for SERPINA1-related condition. Last evaluated: 2024-03-20. Review status: no assertion criteria provided. Collection method: clinical testing. Allele origin: germline. Not counted in ClinVar's aggregate classification.
Comment: The SERPINA1 c.1156C>G variant is predicted to result in the amino acid substitution p.Pro386Ala. To our knowledge, this variant has not been reported in the literature. This variant is reported in 0.088% of alleles in individuals of Latino descent in gnomAD. Alternative missense changes at the same amino acid position (described as p.Pro362Thr and p.Pro362His using legacy nomenclature) have been reported, but were not linked with alpha-1 antitrypsin deficiency (Silva et al. 2016. PubMed ID: 27296815). At this time, the clinical significance of this variant is uncertain due to the absence of conclusive functional and genetic evidence.

NM_000295.5(SERPINA1):c.1156C>G (p.Pro386Ala)

Gene: SERPINA1 (serpin family A member 1; minus strand). Cytogenetic location: 14q32.13.
Variant type: single nucleotide variant.
Coding change: c.1156C>G on transcript NM_000295.5 (MANE Select); coding-DNA position 1156, C replaced by G.
Protein change: p.Pro386Ala; replaces proline 386 with alanine.
Molecular consequence: missense variant.
Genome position (GRCh38, 1-based): chr14:94,378,550, G>C on the plus strand (C>G on the coding strand, the complement: SERPINA1 is on the minus strand). VCF-style: chr14-94378550-G-C. GRCh37 (hg19) VCF-style: chr14-94844887-G-C.
Other names: c.1156C>G, p.Pro386Ala (NM_001002235.3, NM_001002236.3, NM_001127700.2 and 7 more transcripts); short protein forms P386A.
Identifiers: ClinVar variation 3348030 (VCV003348030.2).